The following is an entry in ClinVar:

ClinVar aggregate classification (germline): Uncertain significance (1 of 4 stars; one submission).

Conditions:
Intellectual developmental disorder, autosomal dominant 1. Also called: MBD5 Haploinsufficiency; Intellectual disability, autosomal dominant 1. Identifiers: Orphanet 228402, MedGen C1969562, MONDO:0007974, OMIM 156200.

Submission:

Labcorp Genetics (formerly Invitae), Labcorp
Classification: Uncertain significance for Intellectual developmental disorder, autosomal dominant 1. Last evaluated: 2024-04-03. Review status: criteria provided, single submitter. Criteria: Invitae Variant Classification Sherloc (09022015). Collection method: clinical testing. Allele origin: germline.
Comment: This sequence change replaces arginine, which is basic and polar, with lysine, which is basic and polar, at codon 294 of the MBD5 protein (p.Arg294Lys). This variant is not present in population databases (gnomAD no frequency). This variant has not been reported in the literature in individuals affected with MBD5-related conditions. Advanced modeling of protein sequence and biophysical properties (such as structural, functional, and spatial information, amino acid conservation, physicochemical variation, residue mobility, and thermodynamic stability) has been performed at Invitae for this missense variant, however the output from this modeling did not meet the statistical confidence thresholds required to predict the impact of this variant on MBD5 protein function. In summary, the available evidence is currently insufficient to determine the role of this variant in disease. Therefore, it has been classified as a Variant of Uncertain Significance.

NM_001378120.1(MBD5):c.881G>A (p.Arg294Lys)

Gene: MBD5 (methyl-CpG binding domain protein 5; plus strand). Cytogenetic location: 2q23.1.
Variant type: single nucleotide variant.
Coding change: c.881G>A on transcript NM_001378120.1 (MANE Select); coding-DNA position 881, G replaced by A.
Protein change: p.Arg294Lys; replaces arginine 294 with lysine.
Molecular consequence: missense variant.
Genome position (GRCh38, 1-based): chr2:148,468,824, G>A. VCF-style: chr2-148468824-G-A. GRCh37 (hg19) VCF-style: chr2-149226393-G-A.
Other names: c.881G>A, p.Arg294Lys (NM_018328.5); short protein forms R294K.
Identifiers: ClinVar variation 3631862 (VCV003631862.2).